The following is an entry in ClinVar:

ClinVar aggregate classification (germline): Likely pathogenic (1 of 4 stars; one submission).

Submission:

Mayo Clinic Laboratories, Mayo Clinic
Classification: Likely pathogenic. Last evaluated: 2020-02-24. Review status: criteria provided, single submitter. Criteria: ACMG Guidelines, 2015. Collection method: clinical testing. Allele origin: germline. Observed: 1 variant allele.
Comment: PS1, PM2, PM5, PP3

Literature cited by the submitters: PubMed 15086324; PubMed 18479429; PubMed 18540869.

NM_000133.4(F9):c.478G>C (p.Gly160Arg)

Gene: F9 (coagulation factor IX; plus strand). Cytogenetic location: Xq27.1.
Variant type: single nucleotide variant.
Coding change: c.478G>C on transcript NM_000133.4 (MANE Select); coding-DNA position 478, G replaced by C.
Protein change: p.Gly160Arg; replaces glycine 160 with arginine.
Molecular consequence: missense variant.
Genome position (GRCh38, 1-based): chrX:139,548,449, G>C. VCF-style: chrX-139548449-G-C. GRCh37 (hg19) VCF-style: chrX-138630608-G-C.
Other names: c.364G>C, p.Gly122Arg (NM_001313913.2); short protein forms G122R, G160R.
Identifiers: ClinVar variation 1163699 (VCV001163699.5), dbSNP rs1927768022, ClinGen allele CA414439218.